The following is an entry in ClinVar:

NM_001040167.2(LFNG):c.1078C>T (p.Arg360Cys)

Gene: LFNG (LFNG O-fucosylpeptide 3-beta-N-acetylglucosaminyltransferase; plus strand). Cytogenetic location: 7p22.3.
Variant type: single nucleotide variant.
Coding change: c.1078C>T on transcript NM_001040167.2 (MANE Select); coding-DNA position 1078, C replaced by T.
Protein change: p.Arg360Cys; replaces arginine 360 with cysteine.
Molecular consequence: missense variant. On other transcripts: intron variant (1).
Genome position (GRCh38, 1-based): chr7:2,527,150, C>T. VCF-style: chr7-2527150-C-T. GRCh37 (hg19) VCF-style: chr7-2566784-C-T.
Other names: c.865C>T, p.Arg289Cys (NM_001166355.2); c.691C>T, p.Arg231Cys (NM_002304.3); c.1073+229C>T (NM_001040168.2); short protein forms R231C, R360C, R289C.
Identifiers: ClinVar variation 1418979 (VCV001418979.5), dbSNP rs763938391, ClinGen allele CA4127318.
Genomic context (GRCh38, chr7:2,527,150, plus strand): 5'-GGAGCTCAGCACCTGCCTGCCACCCACGCAGACCAGCCCCTGCTCTGTTCCCACAGGTTC[C>T]GCTCCATCCACTGCCACCTGTACCCGGACACACCCTGGTGTCCCCGCACTGCCATCTTCT-3'
Protein context (NP_001035257.1, residues 350-370): FSVEADPSRF[Arg360Cys]SIHCHLYPDT

ClinVar aggregate classification (germline): Uncertain significance. Review status: criteria provided, multiple submitters, no conflicts (2 of 4 stars). 2 submissions from 2 submitters: Uncertain significance (2). Last evaluated 2023-03-18.

Conditions:
Spondylocostal dysostosis 3, autosomal recessive (SCDO3). Also called: LFNG-Related Spondylocostal Dysostosis, Autosomal Recessive. Identifiers: Orphanet 2311, MedGen C1853296, MONDO:0012349, OMIM 609813.

Allele frequency attached by ClinVar (database versions not stated): gnomAD exomes 0.00003 and 0.00010; TOPMed 0.00003; ExAC 0.00005; gnomAD 0.00013 and 0.00014.
gnomAD v4.1: 159 of 1,612,546 alleles (0.0099%); highest among the groups gnomAD compares: Non-Finnish European, 0.012%; no homozygotes.

Submissions (2):

Labcorp Genetics (formerly Invitae), Labcorp
Classification: Uncertain significance for Spondylocostal dysostosis 3, autosomal recessive. Last evaluated: 2023-03-18. Review status: criteria provided, single submitter. Criteria: Invitae Variant Classification Sherloc (09022015). Collection method: clinical testing. Allele origin: germline.
Comment: This variant is present in population databases (rs763938391, gnomAD 0.02%). This sequence change replaces arginine, which is basic and polar, with cysteine, which is neutral and slightly polar, at codon 360 of the LFNG protein (p.Arg360Cys). This variant has not been reported in the literature in individuals affected with LFNG-related conditions. In summary, the available evidence is currently insufficient to determine the role of this variant in disease. Therefore, it has been classified as a Variant of Uncertain Significance. Advanced modeling of protein sequence and biophysical properties (such as structural, functional, and spatial information, amino acid conservation, physicochemical variation, residue mobility, and thermodynamic stability) performed at Invitae indicates that this missense variant is not expected to disrupt LFNG protein function. ClinVar contains an entry for this variant (Variation ID: 1418979).

Fulgent Genetics
Classification: Uncertain significance for Spondylocostal dysostosis 3, autosomal recessive. Last evaluated: 2021-08-20. Review status: criteria provided, single submitter. Criteria: ACMG Guidelines, 2015. Collection method: clinical testing. Allele origin: unknown.